The following is an entry in ClinVar:

ClinVar aggregate classification (germline): Pathogenic. Review status: criteria provided, multiple submitters, no conflicts (2 of 4 stars). 2 submissions from 2 submitters: Pathogenic (2). Last evaluated 2024-12-03.

Conditions:
Oto-palato-digital syndrome, type II (OPD2). Also called: FACIOPALATOOSSEOUS SYNDROME; OPD II SYNDROME; Otopalatodigital Syndrome, Type II; Otopalatodigital Syndrome Type 2 (FLNA-OPD2). Identifiers: Orphanet 669, Orphanet 90652, MedGen C1844696, MONDO:0010571, OMIM 304120.
Heterotopia, periventricular, X-linked dominant (PVNH1). Also called: PERIVENTRICULAR NODULAR HETEROTOPIA 1; X-linked periventricular heterotopia; PERIVENTRICULAR NODULAR HETEROTOPIA 4; HETEROTOPIA, PERIVENTRICULAR, 1. Identifiers: Orphanet 2149, Orphanet 82004, MedGen C1848213, MONDO:0010233, OMIM 300049.
Frontometaphyseal dysplasia (FMD1). Identifiers: Orphanet 1826, MedGen C0265293, MONDO:0015942.
Melnick-Needles syndrome (MNS). Also called: MELNICK-NEEDLES OSTEODYSPLASTY; OSTEODYSPLASTY OF MELNICK AND NEEDLES; Melnick-Needles Syndrome (FLNA-MNS). Identifiers: Orphanet 2484, MedGen C0025237, MONDO:0010650, OMIM 309350.
Familial thoracic aortic aneurysm and aortic dissection (TAAD). Also called: Thoracic aortic aneurysms and dissections. Identifiers: Orphanet 91387, MedGen C4707243, MONDO:0019625.

Submissions (2):

Ambry Genetics
Classification: Pathogenic for Familial thoracic aortic aneurysm and aortic dissection. Last evaluated: 2024-12-03. Review status: criteria provided, single submitter. Criteria: Ambry Variant Classification Scheme 2023. Collection method: clinical testing. Allele origin: germline.
Comment: The c.7612C>T (p.Q2538*) alteration, located in exon 46 (coding exon 45) of the FLNA gene, consists of a C to T substitution at nucleotide position 7612. This changes the amino acid from a glutamine (Q) to a stop codon at amino acid position 2538. This alteration is expected to result in loss of function by premature protein truncation or nonsense-mediated mRNA decay. for X-linked dominant FLNA-related periventricular nodular heterotopia; however, its clinical significance for X-linked dominant FLNA-related otopalatodigital spectrum disorders and X-linked recessive FLNA-related cardiac valvular dysplasia is uncertain. This variant was not reported in population-based cohorts in the Genome Aggregation Database (gnomAD). Based on the available evidence, this alteration is classified as pathogenic.

Labcorp Genetics (formerly Invitae), Labcorp
Classification: Pathogenic for Oto-palato-digital syndrome, type II; Heterotopia, periventricular, X-linked dominant; Frontometaphyseal dysplasia; Melnick-Needles syndrome. Last evaluated: 2022-12-22. Review status: criteria provided, single submitter. Criteria: Invitae Variant Classification Sherloc (09022015). Collection method: clinical testing. Allele origin: germline.
Comment: For these reasons, this variant has been classified as Pathogenic. This variant has not been reported in the literature in individuals affected with FLNA-related conditions. This variant is not present in population databases (gnomAD no frequency). This sequence change creates a premature translational stop signal (p.Gln2538*) in the FLNA gene. It is expected to result in an absent or disrupted protein product. Loss-of-function variants in FLNA are known to be pathogenic (PMID: 16684786, 20730588, 26471271).

Literature cited by the submitters: PubMed 16684786 (cited by Labcorp Genetics (formerly Invitae), Labcorp); PubMed 20730588 (cited by Labcorp Genetics (formerly Invitae), Labcorp); PubMed 26471271 (cited by Labcorp Genetics (formerly Invitae), Labcorp).

NM_001110556.2(FLNA):c.7636C>T (p.Gln2546Ter)

Genes: FLNA (filamin A; minus strand), LOC107988032 (Xq28 proximal FLNA-EMD recombination region; plus strand). Cytogenetic location: Xq28.
Variant type: single nucleotide variant.
Coding change: c.7636C>T on transcript NM_001110556.2 (MANE Select); coding-DNA position 7636, C replaced by T.
Protein change: p.Gln2546Ter; replaces glutamine 2546 with a stop codon.
Molecular consequence: nonsense.
Genome position (GRCh38, 1-based): chrX:154,349,482, G>A on the plus strand (C>T on the coding strand, the complement: FLNA is on the minus strand). VCF-style: chrX-154349482-G-A. GRCh37 (hg19) VCF-style: chrX-153577850-G-A.
Other names: c.7612C>T, p.Gln2538Ter (NM_001456.4); c.7612C>T (NM_001456.3); short protein forms Q2546*, Q2538*.
Identifiers: ClinVar variation 2942589 (VCV002942589.4), dbSNP rs2522713003, ClinGen allele CA415180377.
Genomic context (GRCh38, chrX:154,349,482, plus strand): 5'-CCAGGCCCTTGGCCACCACCTTGCTGGCGTCAGCAGGCCCAGGACCCGGGGCCCCATGCT[G>A]GGGGGCACAGGTGGCCTTGGTCAGAGAGTCTACAAACACTGATGATGTCTCGTGGAGGCT-3'